The following is an entry in ClinVar:

ClinVar aggregate classification (germline): Uncertain significance. Review status: criteria provided, multiple submitters, no conflicts (2 of 4 stars). 3 submissions from 3 submitters: Uncertain significance (3). Last evaluated 2025-04-08.

Conditions:
Carney complex, type 1 (CNC1). Also called: CARNEY MYXOMA-ENDOCRINE COMPLEX; CARNEY COMPLEX, TYPE I. Identifiers: Orphanet 1359, MedGen C2607929, MONDO:0008057, OMIM 160980.
Hereditary cancer-predisposing syndrome. Also called: Neoplastic Syndromes, Hereditary; Tumor predisposition; Hereditary neoplastic syndrome; Hereditary Cancer Syndrome. Identifiers: Orphanet 140162, MedGen C0027672, MeSH D009386, MONDO:0015356.
Acrodysostosis 1 with or without hormone resistance (ACRDYS1). Also called: ACRODYSOSTOSIS WITH HORMONE RESISTANCE; ACRODYSOSTOSIS 1 WITH HORMONE RESISTANCE; ACRODYSOSTOSIS 1 WITHOUT HORMONE RESISTANCE. Identifiers: Orphanet 280651, MedGen C3276228, MONDO:0007044, OMIM 101800.

Submissions (3):

Labcorp Genetics (formerly Invitae), Labcorp
Classification: Uncertain significance for Carney complex, type 1. Last evaluated: 2025-04-08. Review status: criteria provided, single submitter. Criteria: Invitae Variant Classification Sherloc (09022015). Collection method: clinical testing. Allele origin: germline.
Comment: This sequence change replaces phenylalanine, which is neutral and non-polar, with isoleucine, which is neutral and non-polar, at codon 158 of the PRKAR1A protein (p.Phe158Ile). This variant is not present in population databases (gnomAD no frequency). This variant has not been reported in the literature in individuals affected with PRKAR1A-related conditions. ClinVar contains an entry for this variant (Variation ID: 3240206). Invitae Evidence Modeling of protein sequence and biophysical properties (such as structural, functional, and spatial information, amino acid conservation, physicochemical variation, residue mobility, and thermodynamic stability) indicates that this missense variant is not expected to disrupt PRKAR1A protein function with a negative predictive value of 95%. In summary, the available evidence is currently insufficient to determine the role of this variant in disease. Therefore, it has been classified as a Variant of Uncertain Significance.

Ambry Genetics
Classification: Uncertain significance for Hereditary cancer-predisposing syndrome. Last evaluated: 2024-11-16. Review status: criteria provided, single submitter. Criteria: Ambry Variant Classification Scheme 2023. Collection method: clinical testing. Allele origin: germline.
Comment: The p.F158I variant (also known as c.472T>A), located in coding exon 4 of the PRKAR1A gene, results from a T to A substitution at nucleotide position 472. The phenylalanine at codon 158 is replaced by isoleucine, an amino acid with highly similar properties. This amino acid position is conserved. In addition, the in silico prediction for this alteration is inconclusive. Based on the available evidence, the clinical significance of this variant remains unclear.

Baylor Genetics
Classification: Uncertain significance for Acrodysostosis 1 with or without hormone resistance. Last evaluated: 2024-02-18. Review status: criteria provided, single submitter. Criteria: ACMG Guidelines, 2015. Collection method: clinical testing. Allele origin: unknown.

NM_002734.5(PRKAR1A):c.472T>A (p.Phe158Ile)

Gene: PRKAR1A (protein kinase cAMP-dependent type I regulatory subunit alpha; plus strand). Cytogenetic location: 17q24.2.
Variant type: single nucleotide variant.
Coding change: c.472T>A on transcript NM_002734.5 (MANE Select); coding-DNA position 472, T replaced by A.
Protein change: p.Phe158Ile; replaces phenylalanine 158 with isoleucine.
Molecular consequence: missense variant.
Genome position (GRCh38, 1-based): chr17:68,524,047, T>A. VCF-style: chr17-68524047-T-A. GRCh37 (hg19) VCF-style: chr17-66520188-T-A.
Other names: c.472T>A, p.Phe158Ile (NM_001276289.2, NM_001276290.1, NM_001278433.2 and 4 more transcripts); c.472T>A (NM_002734.3); short protein forms F158I.
Identifiers: ClinVar variation 3240206 (VCV003240206.3), dbSNP rs2509407395.
Genomic context (GRCh38, chr17:68,524,047, plus strand): 5'-TGTAACACGAGGCCTTCTCTCTTTTGCAGTGATATTTTTGATGCCATGTTTTCGGTCTCC[T>A]TTATCGCAGGAGAGACTGTGATTCAGCAAGGTAAGGGCCTCTGGAGCATGCAATATTGTT-3'
Protein context (NP_002725.1, residues 148-168): DIFDAMFSVS[Phe158Ile]IAGETVIQQG